The following is an entry in ClinVar:

ClinVar aggregate classification (germline): Conflicting classifications of pathogenicity. Review status: criteria provided, conflicting classifications (1 of 4 stars). 2 submissions from 2 submitters: Uncertain significance (1); Likely benign (1). Last evaluated 2024-10-31.

Conditions:
Hereditary cancer-predisposing syndrome. Also called: Neoplastic Syndromes, Hereditary; Tumor predisposition; Hereditary Cancer Syndrome; Hereditary neoplastic syndrome. Identifiers: Orphanet 140162, MedGen C0027672, MeSH D009386, MONDO:0015356.

Submissions (2):

Ambry Genetics
Classification: Likely benign for Hereditary cancer-predisposing syndrome. Last evaluated: 2024-10-31. Review status: criteria provided, single submitter. Criteria: Ambry Variant Classification Scheme 2023. Collection method: clinical testing. Allele origin: germline.

Color Diagnostics, LLC DBA Color Health
Classification: Uncertain significance for Hereditary cancer-predisposing syndrome. Last evaluated: 2024-03-06. Review status: criteria provided, single submitter. Criteria: ACMG Guidelines, 2015. Collection method: clinical testing. Allele origin: germline.
Comment: This missense variant replaces alanine with valine at codon 168 of the BARD1 protein. Computational prediction tool suggests that this variant may not impact protein structure and function (internally defined REVEL score threshold <=0.5, PMID: 27666373). Splice site prediction tools suggest that this variant may not impact RNA splicing. To our knowledge, functional studies have not been performed for this variant. This variant has not been reported in individuals affected with hereditary cancer in the literature. This variant has not been identified in the general population by the Genome Aggregation Database (gnomAD). The available evidence is insufficient to determine the role of this variant in disease conclusively. Therefore, this variant is classified as a Variant of Uncertain Significance.

NM_000465.4(BARD1):c.503C>T (p.Ala168Val)

Gene: BARD1 (BRCA1 associated RING domain 1; minus strand). Cytogenetic location: 2q35.
Variant type: single nucleotide variant.
Coding change: c.503C>T on transcript NM_000465.4 (MANE Select); coding-DNA position 503, C replaced by T.
Protein change: p.Ala168Val; replaces alanine 168 with valine.
Molecular consequence: missense variant. On other transcripts: non-coding transcript variant (2), intron variant (3).
Genome position (GRCh38, 1-based): chr2:214,781,371, G>A on the plus strand (C>T on the coding strand, the complement: BARD1 is on the minus strand). VCF-style: chr2-214781371-G-A. GRCh37 (hg19) VCF-style: chr2-215646095-G-A.
Other names: c.446C>T, p.Ala149Val (NM_001282543.2); c.158+28041C>T (NM_001282548.2); c.215+15690C>T (NM_001282545.2); c.364+10926C>T (NM_001282549.2); c.503C>T (NM_000465.2); short protein forms A149V, A168V.
Identifiers: ClinVar variation 926179 (VCV000926179.5), dbSNP rs982408430, ClinGen allele CA350457511.